The following is an entry in ClinVar:

NM_001084.5(PLOD3):c.1541G>A (p.Arg514Gln)

Gene: PLOD3 (procollagen-lysine,2-oxoglutarate 5-dioxygenase 3; minus strand). Cytogenetic location: 7q22.1.
Variant type: single nucleotide variant.
Coding change: c.1541G>A on transcript NM_001084.5 (MANE Select); coding-DNA position 1541, G replaced by A.
Protein change: p.Arg514Gln; replaces arginine 514 with glutamine.
Molecular consequence: missense variant.
Genome position (GRCh38, 1-based): chr7:101,210,404, C>T on the plus strand (G>A on the coding strand, the complement: PLOD3 is on the minus strand). VCF-style: chr7-101210404-C-T. GRCh37 (hg19) VCF-style: chr7-100853685-C-T.
Other names: short protein forms R514Q.
Identifiers: ClinVar variation 1487554 (VCV001487554.3), dbSNP rs202167843, ClinGen allele CA4407634.

ClinVar aggregate classification (germline): Uncertain significance (1 of 4 stars; one submission).

Allele frequency attached by ClinVar (database versions not stated): gnomAD exomes 0.00001 and 0.00002; ExAC 0.00002; gnomAD 0.00002; TOPMed 0.00002; ESP Exome Variant Server 0.00008.
gnomAD v4.1: 20 of 1,613,982 alleles (0.0012%); highest among the groups gnomAD compares: South Asian, 0.0022%; no homozygotes.

Submission:

Labcorp Genetics (formerly Invitae), Labcorp
Classification: Uncertain significance. Last evaluated: 2022-02-08. Review status: criteria provided, single submitter. Criteria: Invitae Variant Classification Sherloc (09022015). Collection method: clinical testing. Allele origin: germline.
Comment: This sequence change replaces arginine, which is basic and polar, with glutamine, which is neutral and polar, at codon 514 of the PLOD3 protein (p.Arg514Gln). This variant is present in population databases (rs202167843, gnomAD 0.003%). This variant has not been reported in the literature in individuals affected with PLOD3-related conditions. Algorithms developed to predict the effect of missense changes on protein structure and function are either unavailable or do not agree on the potential impact of this missense change (SIFT: "Tolerated"; PolyPhen-2: "Possibly Damaging"; Align-GVGD: "Class C0"). In summary, the available evidence is currently insufficient to determine the role of this variant in disease. Therefore, it has been classified as a Variant of Uncertain Significance.